The following is an entry in ClinVar:

ClinVar aggregate classification (germline): Likely benign (1 of 4 stars; one submission).

Conditions:
Fanconi anemia complementation group F. Also called: FANCF-Related Fanconi Anemia. Identifiers: Orphanet 84, MedGen C3469526, MONDO:0011325, OMIM 603467.

Allele frequency attached by ClinVar (database versions not stated): 1000 Genomes Project 0.00080; gnomAD 0.00136; gnomAD exomes 0.00185; TOPMed 0.00196.

Submission:

Illumina Laboratory Services, Illumina
Classification: Likely benign for Fanconi anemia complementation group F. Last evaluated: 2018-01-13. Review status: criteria provided, single submitter. Criteria: ICSL Variant Classification Criteria 13 December 2019. Collection method: clinical testing. Allele origin: germline.
Comment: This variant was observed in the ICSL laboratory as part of a predisposition screen in an ostensibly healthy population. It had not been previously curated by ICSL or reported in the Human Gene Mutation Database (HGMD: prior to June 1st, 2018), and was therefore a candidate for classification through an automated scoring system. Utilizing variant allele frequency, disease prevalence and penetrance estimates, and inheritance mode, an automated score was calculated to assess if this variant is too frequent to cause the disease. Based on the score and internal cut-off values, a variant classified as likely benign is not then subjected to further curation. The score for this variant resulted in a classification of likely benign for this disease.

NM_022725.4(FANCF):c.*709G>T

Gene: FANCF (FA complementation group F; minus strand). Cytogenetic location: 11p14.3.
Variant type: single nucleotide variant.
Coding change: c.*709G>T on transcript NM_022725.4 (MANE Select); 709 bases downstream of the stop codon, G replaced by T.
Molecular consequence: 3 prime UTR variant.
Genome position (GRCh38, 1-based): chr11:22,623,977, C>A on the plus strand (G>T on the coding strand, the complement: FANCF is on the minus strand). VCF-style: chr11-22623977-C-A. GRCh37 (hg19) VCF-style: chr11-22645523-C-A.
Identifiers: ClinVar variation 304186 (VCV000304186.5), dbSNP rs140060318, ClinGen allele CA10634471.